The following is an entry in ClinVar:

NM_005535.3(IL12RB1):c.946G>A (p.Val316Met)

Gene: IL12RB1 (interleukin 12 receptor subunit beta 1; minus strand). Cytogenetic location: 19p13.11.
Variant type: single nucleotide variant.
Coding change: c.946G>A on transcript NM_005535.3 (MANE Select); coding-DNA position 946, G replaced by A.
Protein change: p.Val316Met; replaces valine 316 with methionine.
Molecular consequence: missense variant.
Genome position (GRCh38, 1-based): chr19:18,072,187, C>T on the plus strand (G>A on the coding strand, the complement: IL12RB1 is on the minus strand). VCF-style: chr19-18072187-C-T. GRCh37 (hg19) VCF-style: chr19-18182997-C-T.
Other names: c.946G>A, p.Val316Met (NM_001290023.2, NM_153701.3); c.1066G>A, p.Val356Met (NM_001290024.2); short protein forms V356M, V316M.
Identifiers: ClinVar variation 652478 (VCV000652478.8), dbSNP rs34844088, ClinGen allele CA306163475.
Genomic context (GRCh38, chr19:18,072,187, plus strand): 5'-CAGGAATGTGCCACGTCTGGTTCAGGCCAGGACCAAATTGGTTCGAGGAGATGACAGCCA[C>T]GTTGTAGGCAGCACCCGAGAGATAGGGCATCTTCCCCAGGTGCAGGGTCCTGGTGGCCTT-3'
Protein context (NP_005526.1, residues 306-326): MPYLSGAAYN[Val316Met]AVISSNQFGP

ClinVar aggregate classification (germline): Uncertain significance (1 of 4 stars; one submission).

Conditions:
Mendelian susceptibility to mycobacterial diseases due to complete IL12RB1 deficiency. Also called: Immunodeficiency 30; IL12RB1 DEFICIENCY. Identifiers: Orphanet 319552, MedGen C4013949, MONDO:0013955, OMIM 614891.

Allele frequency attached by ClinVar (database versions not stated): gnomAD exomes 0.00001; TOPMed 0.00001.
gnomAD v4.1: 15 of 1,614,122 alleles (0.00093%); highest among the groups gnomAD compares: African/African-American, 0.0013%; no homozygotes.

Submission:

Labcorp Genetics (formerly Invitae), Labcorp
Classification: Uncertain significance for Mendelian susceptibility to mycobacterial diseases due to complete IL12RB1 deficiency. Last evaluated: 2018-10-04. Review status: criteria provided, single submitter. Criteria: Invitae Variant Classification Sherloc (09022015). Collection method: clinical testing. Allele origin: germline.
Comment: Algorithms developed to predict the effect of missense changes on protein structure and function are either unavailable or do not agree on the potential impact of this missense change (SIFT: "Tolerated"; PolyPhen-2: "Possibly Damaging"; Align-GVGD: "Class C0"). This variant has not been reported in the literature in individuals with IL12RB1-related disease. This variant is not present in population databases (ExAC no frequency). This sequence change replaces valine with methionine at codon 316 of the IL12RB1 protein (p.Val316Met). The valine residue is weakly conserved and there is a small physicochemical difference between valine and methionine. In summary, the available evidence is currently insufficient to determine the role of this variant in disease. Therefore, it has been classified as a Variant of Uncertain Significance.